The following is an entry in ClinVar:

NM_019045.5(WDR44):c.1277del (p.Thr426fs)

Gene: WDR44 (WD repeat domain 44; plus strand). Cytogenetic location: Xq24.
Variant type: Deletion.
Coding change: c.1277del on transcript NM_019045.5 (MANE Select); coding-DNA position 1277, one base deleted (C; older notation c.1277delC).
Protein change: p.Thr426fs; shifts the reading frame from threonine 426.
Molecular consequence: frameshift variant.
Genome position (GRCh38, 1-based): chrX:118,404,340, C deleted. VCF-style (leftmost placement, unchanged base first): chrX-118404339-AC-A. GRCh37 (hg19) VCF-style: chrX-117538302-AC-A.
Other names: c.1277del, p.Thr426fs (NM_001184965.2); c.1202del, p.Thr401fs (NM_001184966.1); short protein forms T401fs, T426fs.
Identifiers: ClinVar variation 4689866 (VCV004689866.1).

ClinVar aggregate classification (germline): Uncertain significance (1 of 4 stars; one submission).

Submission:

GeneDx
Classification: Uncertain significance. Last evaluated: 2025-07-28. Review status: criteria provided, single submitter. Criteria: GeneDx Variant Classification Process June 2021. Collection method: clinical testing. Allele origin: germline. Affected: yes.
Comment: Frameshift variant predicted to result in protein truncation or nonsense mediated decay in a gene for which loss-of-function is not an established mechanism of disease; Not observed at significant frequency in large population cohorts (gnomAD); Has not been previously published as pathogenic or benign to our knowledge